The following is an entry in ClinVar:

ClinVar aggregate classification (germline): Uncertain significance (1 of 4 stars; one submission).

Submission:

GeneDx
Classification: Uncertain significance. Last evaluated: 2023-04-19. Review status: criteria provided, single submitter. Criteria: GeneDx Variant Classification Process June 2021. Collection method: clinical testing. Allele origin: germline. Affected: yes.
Comment: Not observed at significant frequency in large population cohorts (gnomAD); In silico analysis supports that this missense variant has a deleterious effect on protein structure/function; Has not been previously published as pathogenic or benign to our knowledge

NM_001012614.2(CTBP1):c.278A>G (p.Asn93Ser)

Gene: CTBP1 (C-terminal binding protein 1; minus strand). Cytogenetic location: 4p16.3.
Variant type: single nucleotide variant.
Coding change: c.278A>G on transcript NM_001012614.2 (MANE Select); coding-DNA position 278, A replaced by G.
Protein change: p.Asn93Ser; replaces asparagine 93 with serine.
Molecular consequence: missense variant.
Genome position (GRCh38, 1-based): chr4:1,228,228, T>C on the plus strand (A>G on the coding strand, the complement: CTBP1 is on the minus strand). VCF-style: chr4-1228228-T-C. GRCh37 (hg19) VCF-style: chr4-1222016-T-C.
Other names: c.311A>G, p.Asn104Ser (NM_001328.3, NM_001377186.1); c.278A>G, p.Asn93Ser (NM_001377187.1, NM_001377188.1, NM_001377189.1 and 4 more transcripts); short protein forms N104S, N93S.
Identifiers: ClinVar variation 2663616 (VCV002663616.1), dbSNP rs2535132276, ClinGen allele CA355956684.